The following is an entry in ClinVar:

NM_007294.4(BRCA1):c.2413T>C (p.Cys805Arg)

Gene: BRCA1 (BRCA1 DNA repair associated; minus strand). Cytogenetic location: 17q21.31.
Variant type: single nucleotide variant.
Coding change: c.2413T>C on transcript NM_007294.4 (MANE Select); coding-DNA position 2413, T replaced by C.
Protein change: p.Cys805Arg; replaces cysteine 805 with arginine.
Molecular consequence: missense variant. On other transcripts: intron variant (137).
Genome position (GRCh38, 1-based): chr17:43,093,118, A>G on the plus strand (T>C on the coding strand, the complement: BRCA1 is on the minus strand). VCF-style: chr17-43093118-A-G. GRCh37 (hg19) VCF-style: chr17-41245135-A-G.
Other names: c.577+1626T>C (NM_001408484.1, NM_001408478.1, NM_001408514.1 and 9 more transcripts); c.661+1626T>C (NM_001408450.1, NM_001408434.1, NM_001408447.1 and 6 more transcripts); c.784+1626T>C (NM_001408398.1, NM_001407992.1, NM_001408400.1 and 13 more transcripts); c.664+1626T>C (NM_001408440.1, NM_001408428.1, NM_001408441.1 and 12 more transcripts); c.671-2086T>C (NM_001408418.1, NM_001408423.1, NM_001408420.1 and 2 more transcripts); c.787+1626T>C (NM_001407981.1, NM_007298.4, NM_001407978.1 and 17 more transcripts); c.643+1626T>C (NM_001408462.1, NM_001408470.1, NM_001408464.1 and 3 more transcripts); c.709+1626T>C (NM_001408414.1, NM_001408411.1, NM_001408415.1 and 2 more transcripts); and 41 more; short protein forms C805R, C758R, C637R, C757R, C763R, C764R, C677R, C678R.
Identifiers: ClinVar variation 54562 (VCV000054562.4), dbSNP rs397508966, ClinGen allele CA001609.
Genomic context (GRCh38, chr17:43,093,118, plus strand): 5'-CATTTCTATTATCTTTGGAACAACCATGAATTAGTCCCTTGGGGTTTTCAAATGCTGCAC[A>G]CTGACTCACACATTTATTTGGTTCTGTTTTTGCCTTCCCTAGAGTGCTAACTTCCAGTAA-3'
Protein context (NP_009225.1, residues 795-815): KTEPNKCVSQ[Cys805Arg]AAFENPKGLI

ClinVar aggregate classification (germline): Likely benign. Review status: criteria provided, single submitter (1 of 4 stars). 2 submissions from 2 submitters: Likely benign (1). 1 of the submissions does not count toward it. Last evaluated 2023-03-23.

Conditions:
Hereditary cancer-predisposing syndrome. Also called: Neoplastic Syndromes, Hereditary; Tumor predisposition; Hereditary Cancer Syndrome; Hereditary neoplastic syndrome. Identifiers: Orphanet 140162, MedGen C0027672, MeSH D009386, MONDO:0015356.
Familial cancer of breast. Also called: BREAST CANCER, FAMILIAL; Hereditary breast cancer; hereditary breast carcinoma. Identifiers: Orphanet 227535, MedGen C0346153, MONDO:0016419, OMIM 114480. Disease mechanism: loss of function.

Submissions (2):

University of Washington Department of Laboratory Medicine, University of Washington
Classification: Likely benign for Hereditary cancer-predisposing syndrome. Last evaluated: 2023-03-23. Review status: criteria provided, single submitter. Criteria: Dines et al. (Genet Med. 2020). Collection method: curation. Allele origin: germline.
Comment: Missense variant in a coldspot region where missense variants are very unlikely to be pathogenic (PMID:31911673).

BRCA1 coldspot (exon 11 using historical exon numbering). Reclassification based on statistical prior probability

ClinVar Staff, National Center for Biotechnology Information (NCBI)
No classification provided. Condition: Familial cancer of breast. Review status: no classification provided. Collection method: literature only. Allele origin: germline. Affected: yes. Not counted in ClinVar's aggregate classification.

Literature cited by the submitters: PubMed 18835712 (cited by ClinVar Staff, National Center for Biotechnology Information (NCBI)).